The following is an entry in ClinVar:

NM_001365999.1(SZT2):c.1118A>G (p.His373Arg)

Gene: SZT2 (SZT2 subunit of KICSTOR complex; plus strand). Cytogenetic location: 1p34.2.
Variant type: single nucleotide variant.
Coding change: c.1118A>G on transcript NM_001365999.1 (MANE Select); coding-DNA position 1118, A replaced by G.
Protein change: p.His373Arg; replaces histidine 373 with arginine.
Molecular consequence: missense variant.
Genome position (GRCh38, 1-based): chr1:43,420,180, A>G. VCF-style: chr1-43420180-A-G. GRCh37 (hg19) VCF-style: chr1-43885851-A-G.
Other names: c.1118A>G, p.His373Arg (NM_015284.4); short protein forms H373R.
Identifiers: ClinVar variation 2909081 (VCV002909081.3), dbSNP rs1233125920, ClinGen allele CA340006542.
Genomic context (GRCh38, chr1:43,420,180, plus strand): 5'-GTTTCTCCTTCCCCATCTCCACTGGTCTTCCAGGCTCTCAGCACCGCCTATTTAATGAGC[A>G]CCTGGTCTCTGCAAGCAGCAACCCTGCCCTGGCCTTGCGCCGGAAGAAGCACACTGAGAA-3'
Protein context (NP_001352928.1, residues 363-383): CGSQHRLFNE[His373Arg]LVSASSNPAL

ClinVar aggregate classification (germline): Uncertain significance (1 of 4 stars; one submission).

Allele frequency attached by ClinVar (database versions not stated): gnomAD exomes below 0.00001; gnomAD 0.00001.
gnomAD v4.1: 6 of 1,598,298 alleles (0.00038%); highest among the groups gnomAD compares: South Asian, 0.0055%; no homozygotes.

Submission:

Labcorp Genetics (formerly Invitae), Labcorp
Classification: Uncertain significance. Last evaluated: 2022-11-03. Review status: criteria provided, single submitter. Criteria: Invitae Variant Classification Sherloc (09022015). Collection method: clinical testing. Allele origin: germline.
Comment: In summary, the available evidence is currently insufficient to determine the role of this variant in disease. Therefore, it has been classified as a Variant of Uncertain Significance. Advanced modeling of protein sequence and biophysical properties (such as structural, functional, and spatial information, amino acid conservation, physicochemical variation, residue mobility, and thermodynamic stability) has been performed at Invitae for this missense variant, however the output from this modeling did not meet the statistical confidence thresholds required to predict the impact of this variant on SZT2 protein function. This variant has not been reported in the literature in individuals affected with SZT2-related conditions. This variant is present in population databases (no rsID available, gnomAD 0.003%). This sequence change replaces histidine, which is basic and polar, with arginine, which is basic and polar, at codon 373 of the SZT2 protein (p.His373Arg).